The following is an entry in ClinVar:

NM_004082.5(DCTN1):c.3286C>A (p.Gln1096Lys)

Gene: DCTN1 (dynactin subunit 1; minus strand). Cytogenetic location: 2p13.1.
Variant type: single nucleotide variant.
Coding change: c.3286C>A on transcript NM_004082.5 (MANE Select); coding-DNA position 3286, C replaced by A.
Protein change: p.Gln1096Lys; replaces glutamine 1096 with lysine.
Molecular consequence: missense variant. On other transcripts: non-coding transcript variant (1).
Genome position (GRCh38, 1-based): chr2:74,363,353, G>T on the plus strand (C>A on the coding strand, the complement: DCTN1 is on the minus strand). VCF-style: chr2-74363353-G-T. GRCh37 (hg19) VCF-style: chr2-74590480-G-T.
Other names: c.2884C>A, p.Gln962Lys (NM_023019.4); c.3211C>A, p.Gln1071Lys (NM_001135040.3); c.2869C>A, p.Gln957Lys (NM_001135041.3); c.3160C>A, p.Gln1054Lys (NM_001190836.2); c.3265C>A, p.Gln1089Lys (NM_001190837.2); c.3235C>A, p.Gln1079Lys (NM_001378991.1); c.3217C>A, p.Gln1073Lys (NM_001378992.1); short protein forms Q1079K, Q962K, Q1054K, Q1071K, Q1073K, Q1089K, Q1096K, Q957K.
Identifiers: ClinVar variation 1375122 (VCV001375122.6), dbSNP rs1246390551, ClinGen allele CA347337756.

ClinVar aggregate classification (germline): Uncertain significance (1 of 4 stars; one submission).

Conditions:
Amyotrophic lateral sclerosis type 1 (ALS1). Also called: AMYOTROPHIC LATERAL SCLEROSIS 1, FAMILIAL. Identifiers: Orphanet 803, MedGen C1862939, MONDO:0007103, OMIM 105400.
Perry syndrome. Also called: PARKINSONISM WITH ALVEOLAR HYPOVENTILATION AND MENTAL DEPRESSION. Identifiers: Orphanet 178509, MedGen C1868594, MONDO:0008201, OMIM 168605.
Neuronopathy, distal hereditary motor, type 7B. Also called: NEUROPATHY, DISTAL HEREDITARY MOTOR, WITH VOCAL CORD PARALYSIS, HARDING TYPE VIIB; Distal Hereditary Motor Neuronopathy Type 7B (dHMN7B); LOWER MOTOR NEURON DISEASE, DYNACTIN TYPE; HMN VIIB; NEURONOPATHY, DISTAL HEREDITARY MOTOR, AUTOSOMAL DOMINANT 14; NEURONOPATHY, DISTAL HEREDITARY MOTOR, HARDING TYPE VIIB. Identifiers: Orphanet 139589, MedGen C1843315, MONDO:0011879, OMIM 607641.

Allele frequency attached by ClinVar (database versions not stated): gnomAD exomes below 0.00001; TOPMed below 0.00001.
gnomAD v4.1: 1 of 1,612,808 alleles (0.000062%); highest among the groups gnomAD compares: Non-Finnish European, 0.000085%; no homozygotes.

Submission:

Labcorp Genetics (formerly Invitae), Labcorp
Classification: Uncertain significance for Amyotrophic lateral sclerosis type 1; Neuronopathy, distal hereditary motor, type 7B; Perry syndrome. Last evaluated: 2021-11-03. Review status: criteria provided, single submitter. Criteria: Invitae Variant Classification Sherloc (09022015). Collection method: clinical testing. Allele origin: germline.
Comment: In summary, the available evidence is currently insufficient to determine the role of this variant in disease. Therefore, it has been classified as a Variant of Uncertain Significance. Algorithms developed to predict the effect of missense changes on protein structure and function (SIFT, PolyPhen-2, Align-GVGD) all suggest that this variant is likely to be disruptive. This variant has not been reported in the literature in individuals affected with DCTN1-related conditions. This variant is not present in population databases (gnomAD no frequency). This sequence change replaces glutamine, which is neutral and polar, with lysine, which is basic and polar, at codon 1096 of the DCTN1 protein (p.Gln1096Lys).